The following is an entry in ClinVar:

ClinVar aggregate classification (germline): Uncertain significance (1 of 4 stars; one submission).

Conditions:
Cohen syndrome (COH1). Also called: Cutis verticis gyrata, retinitis pigmentosa, and sensorineural deafness; PEPPER SYNDROME. Identifiers: Orphanet 193, MedGen C0265223, MONDO:0008999, OMIM 216550.

Allele frequency attached by ClinVar (database versions not stated): TOPMed below 0.00001.

Submission:

Labcorp Genetics (formerly Invitae), Labcorp
Classification: Uncertain significance for Cohen syndrome. Last evaluated: 2021-10-07. Review status: criteria provided, single submitter. Criteria: Invitae Variant Classification Sherloc (09022015). Collection method: clinical testing. Allele origin: germline.
Comment: This sequence change replaces glutamine with glutamic acid at codon 2551 of the VPS13B protein (p.Gln2551Glu). The glutamine residue is moderately conserved and there is a small physicochemical difference between glutamine and glutamic acid. This variant is not present in population databases (ExAC no frequency). This variant has not been reported in the literature in individuals affected with VPS13B-related conditions. Algorithms developed to predict the effect of missense changes on protein structure and function are either unavailable or do not agree on the potential impact of this missense change (SIFT: "Not Available"; PolyPhen-2: "Benign"; Align-GVGD: "Not Available"). In summary, the available evidence is currently insufficient to determine the role of this variant in disease. Therefore, it has been classified as a Variant of Uncertain Significance.

NM_152564.5(VPS13B):c.7576C>G (p.Gln2526Glu)

Gene: VPS13B (vacuolar protein sorting 13 homolog B; plus strand). Cytogenetic location: 8q22.2.
Variant type: single nucleotide variant.
Coding change: c.7576C>G on transcript NM_152564.5 (MANE Select); coding-DNA position 7576, C replaced by G.
Protein change: p.Gln2526Glu; replaces glutamine 2526 with glutamic acid.
Molecular consequence: missense variant.
Genome position (GRCh38, 1-based): chr8:99,778,828, C>G. VCF-style: chr8-99778828-C-G. GRCh37 (hg19) VCF-style: chr8-100791056-C-G.
Other names: c.7651C>G, p.Gln2551Glu (NM_017890.5); short protein forms Q2526E, Q2551E.
Identifiers: ClinVar variation 1957482 (VCV001957482.2), dbSNP rs1811869155, ClinGen allele CA371876261.